The following is an entry in ClinVar:

ClinVar aggregate classification (germline): Uncertain significance (1 of 4 stars; one submission).

Conditions:
ARHGAP5-related disorder. Also called: ARHGAP5-related condition.

Submission:

PreventionGenetics, part of Exact Sciences
Classification: Uncertain significance for ARHGAP5-related condition. Last evaluated: 2023-04-03. Review status: criteria provided, single submitter. Criteria: ACMG Guidelines, 2015. Collection method: clinical testing. Allele origin: germline.
Comment: The ARHGAP5 c.681_682delAT variant is predicted to result in a frameshift and premature protein termination (p.Ala229Thrfs*3). To our knowledge, this variant has not been reported in the literature or in a large population database, indicating this variant is rare. At this time, the clinical significance of this variant is uncertain due to the absence of conclusive functional and genetic evidence.

NM_001030055.2(ARHGAP5):c.681_682del (p.Ala229fs)

Gene: ARHGAP5 (Rho GTPase activating protein 5; plus strand). Cytogenetic location: 14q12.
Variant type: Deletion.
Coding change: c.681_682del on transcript NM_001030055.2 (MANE Select); coding-DNA positions 681 to 682, 2 bases deleted (AT; older notation c.681_682delAT).
Protein change: p.Ala229fs; shifts the reading frame from alanine 229.
Molecular consequence: frameshift variant.
Genome position (GRCh38, 1-based): chr14:32,091,350-32,091,351, AT deleted. VCF-style (leftmost placement, unchanged base first): chr14-32091349-CAT-C. GRCh37 (hg19) VCF-style: chr14-32560555-CAT-C.
Other names: c.681_682del, p.Ala229fs (NM_001173.3); short protein forms A229fs.
Identifiers: ClinVar variation 2633747 (VCV002633747.1), dbSNP rs2550691162, ClinGen allele CA2695199814.
Genomic context (GRCh38, chr14:32,091,349, plus strand): 5'-ATTATCTTAGAGAAGTTCAGGCATTTGCTTCAAATAAAAAGAACCTTCTTGTAGTGGAAA[CAT>C]CAGCACGATTTAATGTCAACATTGAAACATGTTTTACTGCACTGGTACAAATGTTGGATA-3'